The following is an entry in ClinVar:

ClinVar aggregate classification (germline): Pathogenic. Review status: criteria provided, multiple submitters, no conflicts (2 of 4 stars). 2 submissions from 2 submitters: Pathogenic (2). Last evaluated 2026-01-22.

Conditions:
Mitochondrial complex IV deficiency, nuclear type 1 (MC4DN1). Also called: COX DEFICIENCY; Mitochondrial complex IV deficiency; Complex 4 mitochondrial respiratory chain deficiency; Deficiency of mitochondrial respiratory chain complex4; Complex IV deficiency. Identifiers: MedGen C5435656, MONDO:0700250, OMIM 220110. Disease mechanism: loss of function.

Submissions (2):

3billion
Classification: Pathogenic for Mitochondrial complex IV deficiency, nuclear type 1. Last evaluated: 2026-01-22. Review status: criteria provided, single submitter. Criteria: ACMG Guidelines, 2015. Collection method: clinical testing. Allele origin: germline. Affected: yes.
Comment: The variant is observed at an extremely low frequency in the gnomAD v4.1.0 dataset (total allele frequency: <0.001%). Predicted Consequence/Location: Frameshift: predicted to result in a loss or disruption of normal protein function through nonsense-mediated decay (NMD) or protein truncation. Multiple pathogenic variants are reported downstream of the variant. The variant has been reported to be associated with SURF1-related disorder (PMID: 11279059). Therefore, this variant is classified as Pathogenic according to the recommendation of ACMG/AMP guideline.

Clinical Genetics Service, Universitary Hospital 12 de Octubre
Classification: Pathogenic for Mitochondrial complex IV deficiency, nuclear type 1. Review status: criteria provided, single submitter. Criteria: ACMG Guidelines, 2015. Collection method: clinical testing. Allele origin: germline. Affected: yes.

Literature cited by the submitters: PubMed 11279059 (cited by 3billion).

NM_003172.4(SURF1):c.516_517del

Gene: SURF1 (SURF1 cytochrome c oxidase assembly factor; minus strand). Cytogenetic location: 9q34.2.
Variant type: Microsatellite.
Coding change: c.516_517del on transcript NM_003172.4 (MANE Select); coding-DNA positions 516 to 517, 2 bases deleted (AG; older notation c.516_517delAG).
Molecular consequence: splice acceptor variant.
Genome position (GRCh38, 1-based): chr9:133,352,765-133,352,766, CT deleted on the plus strand (AG on the coding strand, the reverse complement: SURF1 is on the minus strand); deleting any 2 consecutive bases within chr9:133,352,765-133,352,768 gives the same sequence; the c. name uses the placement nearest the transcript's 3' end. VCF-style (leftmost placement, unchanged base first): chr9-133352764-ACT-A. GRCh37 (hg19) VCF-style: chr9-136219619-ACT-A.
Identifiers: ClinVar variation 4855412 (VCV004855412.2).